The following is an entry in ClinVar:

ClinVar aggregate classification (germline): Uncertain significance (1 of 4 stars; one submission).

Conditions:
Periodic fever-infantile enterocolitis-autoinflammatory syndrome. Also called: Autoinflammation with infantile enterocolitis. Identifiers: Orphanet 436166, MedGen C4015067, MONDO:0014472, OMIM 616050.
Familial cold autoinflammatory syndrome 4 (FCAS4). Identifiers: Orphanet 47045, Orphanet 576349, MedGen C4015276, MONDO:0014498, OMIM 616115.

gnomAD v4.1: 3 of 1,614,164 alleles (0.00019%); highest among the groups gnomAD compares: Non-Finnish European, 0.00017%; no homozygotes.

Submission:

Labcorp Genetics (formerly Invitae), Labcorp
Classification: Uncertain significance for Periodic fever-infantile enterocolitis-autoinflammatory syndrome; Familial cold autoinflammatory syndrome 4. Last evaluated: 2025-11-09. Review status: criteria provided, single submitter. Criteria: Invitae Variant Classification Sherloc (09022015). Collection method: clinical testing. Allele origin: germline.
Comment: This sequence change replaces alanine, which is neutral and non-polar, with serine, which is neutral and polar, at codon 397 of the NLRC4 protein (p.Ala397Ser). This variant is present in population databases (no rsID available, gnomAD 0.0009%). This variant has not been reported in the literature in individuals affected with NLRC4-related conditions. Invitae Evidence Modeling of protein sequence and biophysical properties (such as structural, functional, and spatial information, amino acid conservation, physicochemical variation, residue mobility, and thermodynamic stability) indicates that this missense variant is expected to disrupt NLRC4 protein function with a positive predictive value of 80%. In summary, the available evidence is currently insufficient to determine the role of this variant in disease. Therefore, it has been classified as a Variant of Uncertain Significance.

NM_001199138.2(NLRC4):c.1189G>T (p.Ala397Ser)

Gene: NLRC4 (NLR family CARD domain containing 4; minus strand). Cytogenetic location: 2p22.3.
Variant type: single nucleotide variant.
Coding change: c.1189G>T on transcript NM_001199138.2 (MANE Select); coding-DNA position 1189, G replaced by T.
Protein change: p.Ala397Ser; replaces alanine 397 with serine.
Molecular consequence: missense variant. On other transcripts: intron variant (1).
Genome position (GRCh38, 1-based): chr2:32,250,675, C>A on the plus strand (G>T on the coding strand, the complement: NLRC4 is on the minus strand). VCF-style: chr2-32250675-C-A. GRCh37 (hg19) VCF-style: chr2-32475744-C-A.
Other names: c.1189G>T, p.Ala397Ser (NM_001199139.2, NM_021209.5); c.262+1744G>T (NM_001302504.1); short protein forms A397S.
Identifiers: ClinVar variation 4792089 (VCV004792089.1).
Genomic context (GRCh38, chr2:32,250,675, plus strand): 5'-TCACGCTGGACACATCCTGCAGTTCGAAATCAAACTTGTGGGAGAACACACCCTCCAGAG[C>A]TAGGTCTCCACAGTGGTCCAGGCTCCGAATGAAGTCACTTGCAGCCACACCTTTATGTTT-3'
Protein context (NP_001186067.1, residues 387-407): IRSLDHCGDL[Ala397Ser]LEGVFSHKFD